The following is an entry in ClinVar:

ClinVar aggregate classification (germline): Pathogenic (1 of 4 stars; one submission).

Conditions:
Hereditary cancer-predisposing syndrome. Also called: Neoplastic Syndromes, Hereditary; Hereditary Cancer Syndrome; Hereditary neoplastic syndrome; Tumor predisposition. Identifiers: Orphanet 140162, MedGen C0027672, MeSH D009386, MONDO:0015356.

Submission:

Ambry Genetics
Classification: Pathogenic for Hereditary cancer-predisposing syndrome. Last evaluated: 2023-04-10. Review status: criteria provided, single submitter. Criteria: Ambry Variant Classification Scheme 2023. Collection method: clinical testing. Allele origin: germline.
Comment: The c.6520_6525delGTTGAGinsTCCCA pathogenic mutation, located in coding exon 10 of the BRCA2 gene, results from the deletion of 6 nucleotides and insertion of 5 nucleotides causing a translational frameshift with a predicted alternate stop codon (p.V2174Sfs*17). This variant is considered to be rare based on population cohorts in the Genome Aggregation Database (gnomAD). This alteration is expected to result in loss of function by premature protein truncation or nonsense-mediated mRNA decay. As such, this alteration is interpreted as a disease-causing mutation.

NM_000059.4(BRCA2):c.6520_6525delinsTCCCA (p.Val2174fs)

Gene: BRCA2 (BRCA2 DNA repair associated; plus strand). Cytogenetic location: 13q13.1.
Variant type: Indel.
Coding change: c.6520_6525delinsTCCCA on transcript NM_000059.4 (MANE Select); coding-DNA positions 6520 to 6525, GTTGAG replaced by TCCCA.
Protein change: p.Val2174fs; shifts the reading frame from valine 2174.
Molecular consequence: frameshift variant. On other transcripts: non-coding transcript variant (1), intron variant (2).
Genome position (GRCh38, 1-based): chr13:32,340,875-32,340,880, GTTGAG replaced by TCCCA. VCF-style: chr13-32340875-GTTGAG-TCCCA. GRCh37 (hg19) VCF-style: chr13-32915012-GTTGAG-TCCCA.
Other names: c.6520_6525delinsTCCCA, p.Val2174fs (NM_001406719.1, NM_001406720.1); c.1910-3683_1910-3678delinsTCCCA (NM_001406721.1); c.425-3683_425-3678delinsTCCCA (NM_001406722.1); short protein forms V2174fs.
Identifiers: ClinVar variation 2565971 (VCV002565971.2), dbSNP rs2548533536, ClinGen allele CA2580614668.
Genomic context (GRCh38, chr13:32,340,875, plus strand): 5'-TATCTCTCTCAATTTCAACAAGACAAACAACAGTTGGTATTAGGAACCAAAGTGTCACTT[GTTGAG>TCCCA]AACATTCATGTTTTGGGAAAAGAACAGGCTTCACCTAAAAACGTAAAAATGGAAATTGGT-3'